The following is an entry in ClinVar:

ClinVar aggregate classification (germline): Pathogenic (1 of 4 stars; one submission).

Conditions:
Kleefstra syndrome 2 (KLEFS2). Identifiers: MedGen C4540395, MONDO:0054701, OMIM 617768.

Submission:

Neurogenetic Laboratory, Second Faculty of Medicine, Charles University
Classification: Pathogenic for Kleefstra syndrome 2. Review status: criteria provided, single submitter. Criteria: ACMG Guidelines, 2015. Collection method: clinical testing. Allele origin: de novo. Inheritance: Autosomal dominant inheritance. Affected: yes. Observed: 1 heterozygote.
Comment: The NM_170606.3:c.3212G>A, p.(Trp1071*) is a nonsense variant in KMT2C, which is predicted to result in a premature stop codon, and likely results in an absent or disrupted protein product (PVS1_very_strong). To our knowledge, no experimental evidence demonstrating an impact on protein function has been reported. The variant has been identified as a de novo occurrence with confirmation of paternity and maternity (PS2_strong). This variant is not present in gnomAD (PM2_strong; version 4.1.0). In summary, this variant meets criteria to be classified as pathogenic based on ACMG criteria applied (Richards et al. Genet Med 2015;17(5):405-24). The phenotype-genotype correlation indicate that the variant is very likely to be associated with the disease Kleefstra syndrome 2 (OMIM # 617768).

NM_170606.3(KMT2C):c.3212G>A (p.Trp1071Ter)

Gene: KMT2C (lysine methyltransferase 2C; minus strand). Cytogenetic location: 7q36.1.
Variant type: single nucleotide variant.
Coding change: c.3212G>A on transcript NM_170606.3 (MANE Select); coding-DNA position 3212, G replaced by A.
Protein change: p.Trp1071Ter; replaces tryptophan 1071 with a stop codon.
Molecular consequence: nonsense.
Genome position (GRCh38, 1-based): chr7:152,224,126, C>T on the plus strand (G>A on the coding strand, the complement: KMT2C is on the minus strand). VCF-style: chr7-152224126-C-T. GRCh37 (hg19) VCF-style: chr7-151921211-C-T.
Other names: short protein forms W1071*.
Identifiers: ClinVar variation 4795899 (VCV004795899.1).